The following is an entry in ClinVar:

NM_002317.7(LOX):c.823T>A (p.Ser275Thr)

Genes: SRFBP1 (serum response factor binding protein 1; plus strand), LOX (lysyl oxidase; minus strand). Cytogenetic location: 5q23.1.
Variant type: single nucleotide variant.
Coding change: c.823T>A on transcript NM_002317.7 (MANE Select); coding-DNA position 823, T replaced by A.
Protein change: p.Ser275Thr; replaces serine 275 with threonine.
Molecular consequence: missense variant. On other transcripts: 5 prime UTR variant (1).
Genome position (GRCh38, 1-based): chr5:122,075,459, A>T on the plus strand (T>A on the coding strand, the complement: LOX is on the minus strand). VCF-style: chr5-122075459-A-T. GRCh37 (hg19) VCF-style: chr5-121411154-A-T.
Other names: c.133T>A, p.Ser45Thr (NM_001178102.2); c.-69T>A (NM_001317073.1); c.823T>A (NM_002317.6); short protein forms S275T, S45T.
Identifiers: ClinVar variation 1762588 (VCV001762588.12), dbSNP rs1477309077, ClinGen allele CA360882128.

ClinVar aggregate classification (germline): Uncertain significance. Review status: criteria provided, multiple submitters, no conflicts (2 of 4 stars). 3 submissions from 3 submitters: Uncertain significance (3). Last evaluated 2025-04-11.

Conditions:
Cardiovascular phenotype. Identifiers: MedGen CN230736.

Allele frequency attached by ClinVar (database versions not stated): gnomAD exomes below 0.00001; TOPMed 0.00001; gnomAD 0.00002.
gnomAD v4.1: 9 of 1,613,638 alleles (0.00056%); highest among the groups gnomAD compares: Non-Finnish European, 0.00076%; no homozygotes.

Submissions (3):

Labcorp Genetics (formerly Invitae), Labcorp
Classification: Uncertain significance. Last evaluated: 2025-04-11. Review status: criteria provided, single submitter. Criteria: Invitae Variant Classification Sherloc (09022015). Collection method: clinical testing. Allele origin: germline.
Comment: This sequence change replaces serine, which is neutral and polar, with threonine, which is neutral and polar, at codon 275 of the LOX protein (p.Ser275Thr). This variant is present in population databases (no rsID available, gnomAD 0.002%). This variant has not been reported in the literature in individuals affected with LOX-related conditions. ClinVar contains an entry for this variant (Variation ID: 1762588). Invitae Evidence Modeling of protein sequence and biophysical properties (such as structural, functional, and spatial information, amino acid conservation, physicochemical variation, residue mobility, and thermodynamic stability) has been performed for this missense variant. However, the output from this modeling did not meet the statistical confidence thresholds required to predict the impact of this variant on LOX protein function. In summary, the available evidence is currently insufficient to determine the role of this variant in disease. Therefore, it has been classified as a Variant of Uncertain Significance.

GeneDx
Classification: Uncertain significance. Last evaluated: 2024-06-03. Review status: criteria provided, single submitter. Criteria: GeneDx Variant Classification Process June 2021. Collection method: clinical testing. Allele origin: germline. Affected: yes.
Comment: Has not been previously published as pathogenic or benign to our knowledge; Not observed at significant frequency in large population cohorts (gnomAD); In silico analysis indicates that this missense variant does not alter protein structure/function

Ambry Genetics
Classification: Uncertain significance for Cardiovascular phenotype. Last evaluated: 2021-08-09. Review status: criteria provided, single submitter. Criteria: Ambry Variant Classification Scheme 2023. Collection method: clinical testing. Allele origin: germline.
Comment: The p.S275T variant (also known as c.823T>A), located in coding exon 3 of the LOX gene, results from a T to A substitution at nucleotide position 823. The serine at codon 275 is replaced by threonine, an amino acid with similar properties. This amino acid position is well conserved in available vertebrate species. In addition, this alteration is predicted to be tolerated by in silico analysis. Since supporting evidence is limited at this time, the clinical significance of this alteration remains unclear.